The following is an entry in ClinVar:

NM_001378454.1(ALMS1):c.4022G>A (p.Gly1341Asp)

Gene: ALMS1 (ALMS1 centrosome and basal body associated protein; plus strand). Cytogenetic location: 2p13.1.
Variant type: single nucleotide variant.
Coding change: c.4022G>A on transcript NM_001378454.1 (MANE Select); coding-DNA position 4022, G replaced by A.
Protein change: p.Gly1341Asp; replaces glycine 1341 with aspartic acid.
Molecular consequence: missense variant.
Genome position (GRCh38, 1-based): chr2:73,450,549, G>A. VCF-style: chr2-73450549-G-A. GRCh37 (hg19) VCF-style: chr2-73677676-G-A.
Other names: c.4025G>A, p.Gly1342Asp (NM_015120.4); short protein forms G1341D, G1342D.
Identifiers: ClinVar variation 999670 (VCV000999670.7), dbSNP rs1671911104, ClinGen allele CA347277298.

ClinVar aggregate classification (germline): Uncertain significance (1 of 4 stars; one submission).

Conditions:
Alstrom syndrome (ALMS). Identifiers: Orphanet 64, MedGen C0268425, MONDO:0008763, OMIM 203800.

Submission:

Labcorp Genetics (formerly Invitae), Labcorp
Classification: Uncertain significance for Alstrom syndrome. Last evaluated: 2020-08-25. Review status: criteria provided, single submitter. Criteria: Invitae Variant Classification Sherloc (09022015). Collection method: clinical testing. Allele origin: germline.
Comment: This sequence change replaces glycine with aspartic acid at codon 1342 of the ALMS1 protein (p.Gly1342Asp). The glycine residue is weakly conserved and there is a moderate physicochemical difference between glycine and aspartic acid. This variant is not present in population databases (ExAC no frequency). This variant has not been reported in the literature in individuals with ALMS1-related conditions. Experimental studies and prediction algorithms are not available or were not evaluated, and the functional significance of this variant is currently unknown. In summary, the available evidence is currently insufficient to determine the role of this variant in disease. Therefore, it has been classified as a Variant of Uncertain Significance.